The following is an entry in ClinVar:

NM_004370.6(COL12A1):c.1273A>G (p.Met425Val)

Gene: COL12A1 (collagen type XII alpha 1 chain; minus strand). Cytogenetic location: 6q13.
Variant type: single nucleotide variant.
Coding change: c.1273A>G on transcript NM_004370.6 (MANE Select); coding-DNA position 1273, A replaced by G.
Protein change: p.Met425Val; replaces methionine 425 with valine.
Molecular consequence: missense variant. On other transcripts: intron variant (1).
Genome position (GRCh38, 1-based): chr6:75,183,869, T>C on the plus strand (A>G on the coding strand, the complement: COL12A1 is on the minus strand). VCF-style: chr6-75183869-T-C. GRCh37 (hg19) VCF-style: chr6-75893585-T-C.
Other names: c.73+18851A>G (NM_080645.3); short protein forms M425V.
Identifiers: ClinVar variation 1476932 (VCV001476932.6), dbSNP rs2149466974, ClinGen allele CA364772236.

ClinVar aggregate classification (germline): Uncertain significance (1 of 4 stars; one submission).

Conditions:
Ullrich congenital muscular dystrophy 2 (UCMD2). Identifiers: Orphanet 75840, MedGen C4225314, MONDO:0014654, OMIM 616470.
Bethlem myopathy 2 (BTHLM2). Identifiers: Orphanet 536516, Orphanet 610, MedGen C4225313, MONDO:0034022, OMIM 616471.

gnomAD v4.1: 2 of 1,614,132 alleles (0.00012%); highest among the groups gnomAD compares: Non-Finnish European, 0.00017%; no homozygotes.

Submission:

Labcorp Genetics (formerly Invitae), Labcorp
Classification: Uncertain significance for Bethlem myopathy 2; Ullrich congenital muscular dystrophy 2. Last evaluated: 2021-08-12. Review status: criteria provided, single submitter. Criteria: Invitae Variant Classification Sherloc (09022015). Collection method: clinical testing. Allele origin: germline.
Comment: In summary, the available evidence is currently insufficient to determine the role of this variant in disease. Therefore, it has been classified as a Variant of Uncertain Significance. Algorithms developed to predict the effect of missense changes on protein structure and function (SIFT, PolyPhen-2, Align-GVGD) all suggest that this variant is likely to be tolerated. This variant has not been reported in the literature in individuals affected with COL12A1-related conditions. This variant is not present in population databases (ExAC no frequency). This sequence change replaces methionine with valine at codon 425 of the COL12A1 protein (p.Met425Val). The methionine residue is moderately conserved and there is a small physicochemical difference between methionine and valine.